The following is an entry in ClinVar:

NM_001267550.2(TTN):c.41608+1G>T

Gene: TTN (titin; minus strand). Cytogenetic location: 2q31.2.
Variant type: single nucleotide variant.
Coding change: c.41608+1G>T on transcript NM_001267550.2 (MANE Select); the canonical splice donor site of the intron after coding-DNA position 41608, G replaced by T.
Molecular consequence: splice donor variant.
Genome position (GRCh38, 1-based): chr2:178,635,962, C>A on the plus strand (G>T on the coding strand, the complement: TTN is on the minus strand). VCF-style: chr2-178635962-C-A. GRCh37 (hg19) VCF-style: chr2-179500689-C-A.
Other names: c.14413+1G>T (NM_003319.4); c.14989+1G>T (NM_133437.4); c.14788+1G>T (NM_133432.3); c.33904+1G>T (NM_133378.4); c.36685+1G>T (NM_001256850.1).
Identifiers: ClinVar variation 1012356 (VCV001012356.3), dbSNP rs2154230056, ClinGen allele CA349657917.

ClinVar aggregate classification (germline): Uncertain significance. Review status: criteria provided, single submitter (1 of 4 stars). 2 submissions from 2 submitters: Uncertain significance (1). 1 of the submissions does not count toward it. Last evaluated 2025-04-09.

Conditions:
Cardiovascular phenotype. Identifiers: MedGen CN230736.
Dilated cardiomyopathy 1G (CMD1G). Identifiers: Orphanet 154, MedGen C1858763, MONDO:0011400, OMIM 604145.

Submissions (2):

Molecular Diagnostic Laboratory for Inherited Cardiovascular Disease, Montreal Heart Institute
Classification: Uncertain significance for Cardiovascular phenotype. Last evaluated: 2025-04-09. Review status: criteria provided, single submitter. Criteria: ACMG Guidelines, 2015. Collection method: clinical testing. Allele origin: germline. Affected: yes.
Comment: PVS1_mod, PM2

KTest Genetics, KTest
Classification: Pathogenic for Dilated cardiomyopathy 1G. Review status: no assertion criteria provided. Criteria: ACMG Guidelines, 2015. Collection method: clinical testing. Allele origin: germline. Affected: yes. Not counted in ClinVar's aggregate classification.